The following is an entry in ClinVar:

NM_001854.4(COL11A1):c.3914A>C (p.Lys1305Thr)

Gene: COL11A1 (collagen type XI alpha 1 chain; minus strand). Cytogenetic location: 1p21.1.
Variant type: single nucleotide variant.
Coding change: c.3914A>C on transcript NM_001854.4 (MANE Select); coding-DNA position 3914, A replaced by C.
Protein change: p.Lys1305Thr; replaces lysine 1305 with threonine.
Molecular consequence: missense variant. On other transcripts: non-coding transcript variant (1).
Genome position (GRCh38, 1-based): chr1:102,914,714, T>G on the plus strand (A>C on the coding strand, the complement: COL11A1 is on the minus strand). VCF-style: chr1-102914714-T-G. GRCh37 (hg19) VCF-style: chr1-103380270-T-G.
Other names: c.3566A>C, p.Lys1189Thr (NM_001168249.1, NM_080630.4); c.3797A>C, p.Lys1266Thr (NM_001190709.2); c.3950A>C, p.Lys1317Thr (NM_080629.3); short protein forms K1189T, K1266T, K1305T, K1317T.
Identifiers: ClinVar variation 2801761 (VCV002801761.3), dbSNP rs2524484477, ClinGen allele CA341161202.

ClinVar aggregate classification (germline): Uncertain significance (1 of 4 stars; one submission).

Allele frequency attached by ClinVar (database versions not stated): gnomAD exomes below 0.00001.
gnomAD v4.1: 2 of 1,612,332 alleles (0.00012%); highest among the groups gnomAD compares: Non-Finnish European, 0.00017%; no homozygotes.

Submission:

Labcorp Genetics (formerly Invitae), Labcorp
Classification: Uncertain significance. Last evaluated: 2022-12-05. Review status: criteria provided, single submitter. Criteria: Invitae Variant Classification Sherloc (09022015). Collection method: clinical testing. Allele origin: germline.
Comment: In summary, the available evidence is currently insufficient to determine the role of this variant in disease. Therefore, it has been classified as a Variant of Uncertain Significance. Advanced modeling of protein sequence and biophysical properties (such as structural, functional, and spatial information, amino acid conservation, physicochemical variation, residue mobility, and thermodynamic stability) has been performed at Invitae for this missense variant, however the output from this modeling did not meet the statistical confidence thresholds required to predict the impact of this variant on COL11A1 protein function. This variant has not been reported in the literature in individuals affected with COL11A1-related conditions. This variant is not present in population databases (gnomAD no frequency). This sequence change replaces lysine, which is basic and polar, with threonine, which is neutral and polar, at codon 1305 of the COL11A1 protein (p.Lys1305Thr).